The following is an entry in ClinVar:

ClinVar aggregate classification (germline): Conflicting classifications of pathogenicity. Review status: criteria provided, conflicting classifications (1 of 4 stars). 25 submissions from 21 submitters: Uncertain significance (3); Benign (7); Likely benign (8). 7 of the submissions do not count toward it. Last evaluated 2026-02-02.

Conditions:
Cardiovascular phenotype. Identifiers: MedGen CN230736.
Dilated cardiomyopathy 1G (CMD1G). Identifiers: Orphanet 154, MedGen C1858763, MONDO:0011400, OMIM 604145.
Autosomal recessive limb-girdle muscular dystrophy type 2J (LGMDR10). Also called: MUSCULAR DYSTROPHY, LIMB-GIRDLE, AUTOSOMAL RECESSIVE 10; Limb-girdle muscular dystrophy, type 2J. Identifiers: Orphanet 140922, MedGen C1837342, MONDO:0012127, OMIM 608807.
TTN-related disorder. Also called: TTN-related disorders; TTN-related condition; TTN-related disease.
Cardiomyopathy (CMYO). Also called: Cardiomyopathies. Identifiers: Orphanet 167848, MedGen C0878544, MONDO:0004994, HP:0001638. Inheritance: Various modes of inheritance.
Early-onset myopathy with fatal cardiomyopathy (CMYO5). Also called: CONGENITAL MYOPATHY 5 WITH CARDIOMYOPATHY; Salih Myopathy. Identifiers: Orphanet 289377, MedGen C2673677, MONDO:0012714, OMIM 611705. Disease mechanism: loss of function.
Myopathy, myofibrillar, 9, with early respiratory failure (MFM9). Also called: Myopathy, distal, with early respiratory failure, autosomal dominant; Hereditary myopathy with early respiratory failure; MYOPATHY, PROXIMAL, WITH EARLY RESPIRATORY MUSCLE INVOLVEMENT; EDSTROM MYOPATHY. Identifiers: Orphanet 178464, Orphanet 34521, MedGen C1863599, MONDO:0011362, OMIM 603689.
Tibial muscular dystrophy (TMD). Also called: Udd Distal Myopathy – Tibial Muscular Dystrophy; Tibial muscular dystrophy, tardive; UDD MYOPATHY. Identifiers: Orphanet 609, MedGen C1838244, MONDO:0010870, OMIM 600334.

Allele frequency attached by ClinVar (database versions not stated): 1000 Genomes Project 0.00020; gnomAD exomes 0.00130 and 0.00156; gnomAD 0.00134 and 0.00141; 1000 Genomes Project 30x 0.00062; ESP Exome Variant Server 0.00147; TOPMed 0.00074; ExAC 0.00180.
gnomAD v4.1: 2,094 of 1,613,752 alleles (0.13%); highest among the groups gnomAD compares: Non-Finnish European, 0.13%; 4 homozygotes.

Submissions (25):

Labcorp Genetics (formerly Invitae), Labcorp
Classification: Benign for Dilated cardiomyopathy 1G; Autosomal recessive limb-girdle muscular dystrophy type 2J. Last evaluated: 2026-02-02. Review status: criteria provided, single submitter. Criteria: Invitae Variant Classification Sherloc (09022015). Collection method: clinical testing. Allele origin: germline.

Mayo Clinic Laboratories, Mayo Clinic
Classification: Benign. Last evaluated: 2025-08-15. Review status: criteria provided, single submitter. Criteria: ACMG Guidelines, 2015. Collection method: clinical testing. Allele origin: germline. Observed: 9 variant alleles.
Comment: BS1, BS2

CeGaT Center for Human Genetics Tuebingen
Classification: Likely benign. Last evaluated: 2025-05-01. Review status: criteria provided, single submitter. Criteria: CeGaT Center For Human Genetics Tuebingen Variant Classification Criteria Version 2. Collection method: clinical testing. Allele origin: germline. Affected: yes. Observed: 5 variant alleles.
Comment: TTN: PP3, BS2

Molecular Diagnostic Laboratory for Inherited Cardiovascular Disease, Montreal Heart Institute
Classification: Likely benign. Last evaluated: 2025-04-09. Review status: criteria provided, single submitter. Criteria: ACMG Guidelines, 2015. Collection method: clinical testing. Allele origin: germline. Affected: no.

Blueprint Genetics
Classification: Likely benign. Last evaluated: 2024-11-23. Review status: criteria provided, single submitter. Criteria: ACMG Guidelines, 2015. Collection method: clinical testing. Allele origin: germline.

CHEO Genetics Diagnostic Laboratory, Children's Hospital of Eastern Ontario
Classification: Benign for Cardiomyopathy. Last evaluated: 2021-12-01. Review status: criteria provided, single submitter. Criteria: ACMG Guidelines, 2015. Collection method: clinical testing. Allele origin: germline. Study: Canadian Open Genetics Repository.

Women's Health and Genetics/Laboratory Corporation of America, LabCorp
Classification: Likely benign. Last evaluated: 2020-10-26. Review status: criteria provided, single submitter. Criteria: LabCorp Variant Classification Summary - May 2015. Collection method: clinical testing. Allele origin: germline.
Comment: Variant summary: TTN c.74785G>A (p.Gly24929Arg) results in a non-conservative amino acid change in the encoded protein sequence. Four of five in-silico tools predict a damaging effect of the variant on protein function. The variant allele was found at a frequency of 0.0016 in 248866 control chromosomes in the gnomAD database, including 2 homozygotes. The observed variant frequency is approximately 4-fold the estimated maximal expected allele frequency for a pathogenic variant in TTN causing Dilated Cardiomyopathy phenotype (0.00039), suggesting that the variant is benign. c.74785G>A has been reported in the literature in at least one individual affected with Dilated Cardiomyopathy without strong evidence for causality (Pugh_2014). This report does not provide unequivocal conclusions about association of the variant with Dilated Cardiomyopathy. To our knowledge, no experimental evidence demonstrating an impact on protein function has been reported. Ten clinical diagnostic laboratories have submitted clinical-significance assessments for this variant to ClinVar after 2014 without evidence for independent evaluation, citing the variant as benign/ likely benign (n=8) and uncertain significance (n=2). Based on the evidence outlined above, the variant was classified as likely benign.

GeneDx
Classification: Benign. Last evaluated: 2020-07-15. Review status: criteria provided, single submitter. Criteria: GeneDx Variant Classification Process June 2021. Collection method: clinical testing. Allele origin: germline. Affected: yes.
Comment: This variant is associated with the following publications: (PMID: 24503780)

ARUP Laboratories, Molecular Genetics and Genomics, ARUP Laboratories
Classification: Likely benign. Last evaluated: 2019-10-31. Review status: criteria provided, single submitter. Criteria: ARUP Molecular Germline Variant Investigation Process. Collection method: clinical testing. Allele origin: germline.

Ambry Genetics
Classification: Likely benign for Cardiovascular phenotype. Last evaluated: 2018-11-15. Review status: criteria provided, single submitter. Criteria: Ambry Variant Classification Scheme 2023. Collection method: clinical testing. Allele origin: germline.

Athena Diagnostics
Classification: Benign. Last evaluated: 2018-06-30. Review status: criteria provided, single submitter. Criteria: Athena Diagnostics Criteria. Collection method: clinical testing. Allele origin: germline.

Illumina Laboratory Services, Illumina
Classification: Uncertain significance for Dilated cardiomyopathy 1G. Last evaluated: 2018-01-12. Review status: criteria provided, single submitter. Criteria: ICSL Variant Classification Criteria 13 December 2019. Collection method: clinical testing. Allele origin: germline.

Illumina Laboratory Services, Illumina
Classification: Uncertain significance for Early-onset myopathy with fatal cardiomyopathy. Last evaluated: 2018-01-12. Review status: criteria provided, single submitter. Criteria: ICSL Variant Classification Criteria 13 December 2019. Collection method: clinical testing. Allele origin: germline.

Illumina Laboratory Services, Illumina
Classification: Benign for Tibial muscular dystrophy. Last evaluated: 2018-01-12. Review status: criteria provided, single submitter. Criteria: ICSL Variant Classification Criteria 13 December 2019. Collection method: clinical testing. Allele origin: germline.
Comment: This variant was observed in the ICSL laboratory as part of a predisposition screen in an ostensibly healthy population. It had not been previously curated by ICSL or reported in the Human Gene Mutation Database (HGMD: prior to June 1st, 2018), and was therefore a candidate for classification through an automated scoring system. Utilizing variant allele frequency, disease prevalence and penetrance estimates, and inheritance mode, an automated score was calculated to assess if this variant is too frequent to cause the disease. Based on the score and internal cut-off values, a variant classified as benign is not then subjected to further curation. The score for this variant resulted in a classification of benign for this disease.

Illumina Laboratory Services, Illumina
Classification: Benign for Myopathy, myofibrillar, 9, with early respiratory failure. Last evaluated: 2018-01-12. Review status: criteria provided, single submitter. Criteria: ICSL Variant Classification Criteria 13 December 2019. Collection method: clinical testing. Allele origin: germline.
Comment: the same text as in the submission from Illumina Laboratory Services, Illumina above.

Illumina Laboratory Services, Illumina
Classification: Uncertain significance for Autosomal recessive limb-girdle muscular dystrophy type 2J. Last evaluated: 2018-01-12. Review status: criteria provided, single submitter. Criteria: ICSL Variant Classification Criteria 13 December 2019. Collection method: clinical testing. Allele origin: germline.

Laboratory for Molecular Medicine, Mass General Brigham Personalized Medicine
Classification: Likely benign. Last evaluated: 2015-11-24. Review status: criteria provided, single submitter. Criteria: LMM Criteria. Collection method: clinical testing. Allele origin: germline. Observed: 5 variant alleles.
Comment: p.Gly24929Arg in exon 275 of TTN: This variant is not expected to have clinical significance because it has been identified in 0.6% (38/6614) of Finnish and 0. 3% (172/66718) of European chromosomes, including 2 homozygotes, by the Exome Ag gregation Consortium (ExAC; dbSNP rs201158906).

Eurofins Ntd Llc (ga)
Classification: Likely benign. Last evaluated: 2015-09-10. Review status: criteria provided, single submitter. Criteria: EGL Classification Definitions 2015. Collection method: clinical testing. Allele origin: germline. Observed: 1 variant allele, 1 heterozygote.

PreventionGenetics, part of Exact Sciences
Classification: Likely benign for TTN-related condition. Last evaluated: 2019-05-06. Review status: no assertion criteria provided. Collection method: clinical testing. Allele origin: germline. Not counted in ClinVar's aggregate classification.
Comment: This variant is classified as likely benign based on ACMG/AMP sequence variant interpretation guidelines (Richards et al. 2015 PMID: 25741868, with internal and published modifications).

Clinical Genetics DNA and cytogenetics Diagnostics Lab, Erasmus MC, Erasmus Medical Center
Classification: Likely benign. Review status: no assertion criteria provided. Collection method: clinical testing. Allele origin: germline. Affected: yes. Study: VKGL Data-share Consensus. Not counted in ClinVar's aggregate classification.

Clinical Genetics, Academic Medical Center
Classification: Benign. Review status: no assertion criteria provided. Collection method: clinical testing. Allele origin: germline. Affected: yes. Study: VKGL Data-share Consensus. Not counted in ClinVar's aggregate classification.

Diagnostic Laboratory, Department of Genetics, University Medical Center Groningen
Classification: Likely benign. Review status: no assertion criteria provided. Collection method: clinical testing. Allele origin: germline. Affected: yes. Study: VKGL Data-share Consensus. Not counted in ClinVar's aggregate classification.

Genome Diagnostics Laboratory, University Medical Center Utrecht
Classification: Benign. Review status: no assertion criteria provided. Collection method: clinical testing. Allele origin: germline. Affected: yes. Study: VKGL Data-share Consensus. Not counted in ClinVar's aggregate classification.

Joint Genome Diagnostic Labs from Nijmegen and Maastricht, Radboudumc and MUMC+
Classification: Likely benign. Review status: no assertion criteria provided. Collection method: clinical testing. Allele origin: germline. Affected: yes. Study: VKGL Data-share Consensus. Not counted in ClinVar's aggregate classification.

Laboratory of Diagnostic Genome Analysis, Leiden University Medical Center (LUMC)
Classification: Likely benign. Review status: no assertion criteria provided. Collection method: clinical testing. Allele origin: germline. Affected: yes. Study: VKGL Data-share Consensus. Not counted in ClinVar's aggregate classification.

Literature cited by the submitters: PubMed 24503780 (cited by 3 submitters).

NM_001267550.2(TTN):c.82489G>A (p.Gly27497Arg)

Genes: TTN (titin; minus strand), TTN-AS1 (TTN antisense RNA 1; plus strand). Cytogenetic location: 2q31.2.
Variant type: single nucleotide variant.
Coding change: c.82489G>A on transcript NM_001267550.2 (MANE Select); coding-DNA position 82489, G replaced by A.
Protein change: p.Gly27497Arg; replaces glycine 27497 with arginine.
Molecular consequence: missense variant.
Genome position (GRCh38, 1-based): chr2:178,563,643, C>T on the plus strand (G>A on the coding strand, the complement: TTN is on the minus strand). VCF-style: chr2-178563643-C-T. GRCh37 (hg19) VCF-style: chr2-179428370-C-T.
Other names: p.G25856R:GGA>AGA; c.77566G>A, p.Gly25856Arg (NM_001256850.1); c.55294G>A, p.Gly18432Arg (NM_003319.4); c.74785G>A, p.Gly24929Arg (NM_133378.4); c.55669G>A, p.Gly18557Arg (NM_133432.3); c.55870G>A, p.Gly18624Arg (NM_133437.4); short protein forms G27497R, G24929R, G25856R, G18432R, G18624R, G18557R.
Identifiers: ClinVar variation 47412 (VCV000047412.85), dbSNP rs201158906, ClinGen allele CA140926.